The following is an entry in ClinVar:

ClinVar aggregate classification (germline): Uncertain significance (1 of 4 stars; one submission).

Submission:

Dasa
Classification: Uncertain significance. Last evaluated: 2026-05-14. Review status: criteria provided, single submitter. Criteria: DASA Assertion Criteria. Collection method: clinical testing. Allele origin: germline.
Comment: NM_001386135.1(AFF3):c.2780G>T (p.Gly927Val) is a missense variant that results in the substitution of glycine with valine. This variant is rare in population databases. Computational prediction algorithms are consistent with a benign effect. The currently available literature and clinical evidence are not sufficient to establish a definitive association between this variant and the reported condition. Therefore, this variant is classified as a variant of uncertain significance.

NM_001386135.1(AFF3):c.2780G>T (p.Gly927Val)

Gene: AFF3 (ALF transcription elongation factor 3; minus strand). Cytogenetic location: 2q11.2.
Variant type: single nucleotide variant.
Coding change: c.2780G>T on transcript NM_001386135.1 (MANE Select); coding-DNA position 2780, G replaced by T.
Protein change: p.Gly927Val; replaces glycine 927 with valine.
Molecular consequence: missense variant.
Genome position (GRCh38, 1-based): chr2:99,582,811, C>A on the plus strand (G>T on the coding strand, the complement: AFF3 is on the minus strand). VCF-style: chr2-99582811-C-A. GRCh37 (hg19) VCF-style: chr2-100199273-C-A.
Other names: c.2855G>T, p.Gly952Val (NM_001025108.2); c.2780G>T, p.Gly927Val (NM_002285.3); short protein forms G927V, G952V.
Identifiers: ClinVar variation 5020572 (VCV005020572.1).